The following is an entry in ClinVar:

NM_198578.4(LRRK2):c.5499A>C (p.Lys1833Asn)

Gene: LRRK2 (leucine rich repeat kinase 2; plus strand). Cytogenetic location: 12q12.
Variant type: single nucleotide variant.
Coding change: c.5499A>C on transcript NM_198578.4 (MANE Select); coding-DNA position 5499, A replaced by C.
Protein change: p.Lys1833Asn; replaces lysine 1833 with asparagine.
Molecular consequence: missense variant.
Genome position (GRCh38, 1-based): chr12:40,322,500, A>C. VCF-style: chr12-40322500-A-C. GRCh37 (hg19) VCF-style: chr12-40716302-A-C.
Other names: short protein forms K1833N.
Identifiers: ClinVar variation 1747888 (VCV001747888.2), dbSNP rs2499885936, ClinGen allele CA384420908.

ClinVar aggregate classification (germline): Uncertain significance (1 of 4 stars; one submission).

Conditions:
Inborn genetic diseases. Identifiers: MedGen C0950123, MeSH D030342.

Allele frequency attached by ClinVar (database versions not stated): gnomAD exomes below 0.00001.
gnomAD v4.1: 1 of 1,612,990 alleles (0.000062%); highest among the groups gnomAD compares: Non-Finnish European, 0.000085%; no homozygotes.

Submission:

Ambry Genetics
Classification: Uncertain significance for Inborn genetic diseases. Last evaluated: 2021-08-11. Review status: criteria provided, single submitter. Criteria: Ambry Variant Classification Scheme 2023. Collection method: clinical testing. Allele origin: germline.
Comment: The p.K1833N variant (also known as c.5499A>C), located in coding exon 37 of the LRRK2 gene, results from an A to C substitution at nucleotide position 5499. The lysine at codon 1833 is replaced by asparagine, an amino acid with similar properties. This amino acid position is conserved. In addition, this alteration is predicted to be tolerated by in silico analysis. Since supporting evidence is limited at this time, the clinical significance of this alteration remains unclear.